The following is an entry in ClinVar:

NM_001365999.1(SZT2):c.2759G>A (p.Gly920Asp)

Gene: SZT2 (SZT2 subunit of KICSTOR complex; plus strand). Cytogenetic location: 1p34.2.
Variant type: single nucleotide variant.
Coding change: c.2759G>A on transcript NM_001365999.1 (MANE Select); coding-DNA position 2759, G replaced by A.
Protein change: p.Gly920Asp; replaces glycine 920 with aspartic acid.
Molecular consequence: missense variant.
Genome position (GRCh38, 1-based): chr1:43,425,587, G>A. VCF-style: chr1-43425587-G-A. GRCh37 (hg19) VCF-style: chr1-43891258-G-A.
Other names: c.2759G>A, p.Gly920Asp (NM_015284.4); short protein forms G920D.
Identifiers: ClinVar variation 661230 (VCV000661230.10), dbSNP rs764539994, ClinGen allele CA808790.
Genomic context (GRCh38, chr1:43,425,587, plus strand): 5'-CAGAGCTCAATCTGGTCACTGAGGTGTGGGTGGAGCCACAGTATGGGCGAGTGGGACCTG[G>A]CCCTGGAATCTGGAAGCACCTCCAGGACCTGACGTATTCTGAGATCCCGCAAGCTGTGAG-3'
Protein context (NP_001352928.1, residues 910-930): VEPQYGRVGP[Gly920Asp]PGIWKHLQDL

ClinVar aggregate classification (germline): Uncertain significance. Review status: criteria provided, multiple submitters, no conflicts (2 of 4 stars). 3 submissions from 3 submitters: Uncertain significance (3). Last evaluated 2025-11-10.

Conditions:
Developmental and epileptic encephalopathy, 18 (DEE18). Also called: Early infantile epileptic encephalopathy 18. Identifiers: Orphanet 369894, MedGen C3809624, MONDO:0014201, OMIM 615476.

Allele frequency attached by ClinVar (database versions not stated): ExAC 0.00001; gnomAD exomes 0.00001; TOPMed 0.00001.
gnomAD v4.1: 9 of 1,614,164 alleles (0.00056%); highest among the groups gnomAD compares: African/African-American, 0.0013%; no homozygotes.

Submissions (3):

Labcorp Genetics (formerly Invitae), Labcorp
Classification: Uncertain significance. Last evaluated: 2025-11-10. Review status: criteria provided, single submitter. Criteria: Invitae Variant Classification Sherloc (09022015). Collection method: clinical testing. Allele origin: germline.
Comment: This sequence change replaces glycine, which is neutral and non-polar, with aspartic acid, which is acidic and polar, at codon 920 of the SZT2 protein (p.Gly920Asp). This variant is present in population databases (rs764539994, gnomAD 0.0009%). This variant has not been reported in the literature in individuals affected with SZT2-related conditions. ClinVar contains an entry for this variant (Variation ID: 661230). Invitae Evidence Modeling of protein sequence and biophysical properties (such as structural, functional, and spatial information, amino acid conservation, physicochemical variation, residue mobility, and thermodynamic stability) indicates that this missense variant is expected to disrupt SZT2 protein function with a positive predictive value of 80%. In summary, the available evidence is currently insufficient to determine the role of this variant in disease. Therefore, it has been classified as a Variant of Uncertain Significance.

Genome-Nilou Lab
Classification: Uncertain significance for Developmental and epileptic encephalopathy, 18. Last evaluated: 2023-04-11. Review status: criteria provided, single submitter. Criteria: ACMG Guidelines, 2015. Collection method: clinical testing. Allele origin: germline. Affected: no.

Baylor Genetics
Classification: Uncertain significance for Developmental and epileptic encephalopathy, 18. Last evaluated: 2019-11-20. Review status: criteria provided, single submitter. Criteria: ACMG Guidelines, 2015. Collection method: clinical testing. Allele origin: unknown. Affected: yes.
Comment: This variant was determined to be of uncertain significance according to ACMG Guidelines, 2015 [PMID:25741868].